The following is an entry in ClinVar:

ClinVar aggregate classification (germline): Conflicting classifications of pathogenicity. Review status: criteria provided, conflicting classifications (1 of 4 stars). 2 submissions from 2 submitters: Uncertain significance (1); Likely benign (1). Last evaluated 2024-02-23.

Conditions:
Charcot-Marie-Tooth disease type 2. Also called: Charcot-Marie-Tooth type 2. Identifiers: Orphanet 64746, MedGen C0270914, MONDO:0018993.

Allele frequency attached by ClinVar (database versions not stated): gnomAD 0.00013 and 0.00014; ExAC 0.00012; TOPMed 0.00005; gnomAD exomes 0.00012.
gnomAD v4.1: 79 of 1,613,958 alleles (0.0049%); highest among the groups gnomAD compares: African/African-American, 0.011%; no homozygotes.

Submissions (2):

Labcorp Genetics (formerly Invitae), Labcorp
Classification: Likely benign for Charcot-Marie-Tooth disease type 2. Last evaluated: 2024-02-23. Review status: criteria provided, single submitter. Criteria: Invitae Variant Classification Sherloc (09022015). Collection method: clinical testing. Allele origin: germline.

Ambry Genetics
Classification: Uncertain significance. Last evaluated: 2023-06-23. Review status: criteria provided, single submitter. Criteria: Ambry Variant Classification Scheme 2023. Collection method: clinical testing. Allele origin: germline.
Comment: The p.R1463H variant (also known as c.4388G>A), located in coding exon 40 of the KIF1B gene, results from a G to A substitution at nucleotide position 4388. The arginine at codon 1463 is replaced by histidine, an amino acid with highly similar properties. This amino acid position is highly conserved in available vertebrate species. In addition, this alteration is predicted to be deleterious by in silico analysis. The evidence for this gene-disease relationship is limited; therefore, the clinical significance of this alteration is unclear.

NM_001365951.3(KIF1B):c.4526G>A (p.Arg1509His)

Gene: KIF1B (kinesin family member 1B; plus strand). Cytogenetic location: 1p36.22.
Variant type: single nucleotide variant.
Coding change: c.4526G>A on transcript NM_001365951.3 (MANE Select); coding-DNA position 4526, G replaced by A.
Protein change: p.Arg1509His; replaces arginine 1509 with histidine.
Molecular consequence: missense variant.
Genome position (GRCh38, 1-based): chr1:10,365,422, G>A. VCF-style: chr1-10365422-G-A. GRCh37 (hg19) VCF-style: chr1-10425480-G-A.
Other names: c.4526G>A, p.Arg1509His (NM_001365952.1); c.4388G>A, p.Arg1463His (NM_015074.3); short protein forms R1463H, R1509H.
Identifiers: ClinVar variation 1597845 (VCV001597845.11), dbSNP rs201477179, ClinGen allele CA582114.